The following is an entry in ClinVar:

ClinVar aggregate classification (germline): Uncertain significance (1 of 4 stars; one submission).

Conditions:
Acute myeloid leukemia (AML). Also called: Leukemia, acute myeloid, somatic; Leukemia, acute myelogenous, somatic; Acute myeloid leukemia, adult; AML adult; Acute non-lymphocytic leukemia; Acute granulocytic leukemia. Identifiers: Orphanet 519, MedGen C0023467, MeSH D015470, MONDO:0018874, OMIM 601626, HP:0004808. Disease mechanism: Constitutively activated FLT3.

Submission:

Labcorp Genetics (formerly Invitae), Labcorp
Classification: Uncertain significance for Acute myeloid leukemia. Last evaluated: 2022-09-21. Review status: criteria provided, single submitter. Criteria: Invitae Variant Classification Sherloc (09022015). Collection method: clinical testing. Allele origin: germline.
Comment: This sequence change replaces glycine, which is neutral and non-polar, with valine, which is neutral and non-polar, at codon 248 of the CEBPA protein (p.Gly248Val). This variant is not present in population databases (gnomAD no frequency). In summary, the available evidence is currently insufficient to determine the role of this variant in disease. Therefore, it has been classified as a Variant of Uncertain Significance. Advanced modeling of protein sequence and biophysical properties (such as structural, functional, and spatial information, amino acid conservation, physicochemical variation, residue mobility, and thermodynamic stability) performed at Invitae indicates that this missense variant is not expected to disrupt CEBPA protein function. This variant has not been reported in the literature in individuals affected with CEBPA-related conditions.

NM_004364.5(CEBPA):c.743G>T (p.Gly248Val)

Gene: CEBPA (CCAAT enhancer binding protein alpha; minus strand). Cytogenetic location: 19q13.11.
Variant type: single nucleotide variant.
Coding change: c.743G>T on transcript NM_004364.5 (MANE Select); coding-DNA position 743, G replaced by T.
Protein change: p.Gly248Val; replaces glycine 248 with valine.
Molecular consequence: missense variant.
Genome position (GRCh38, 1-based): chr19:33,301,672, C>A on the plus strand (G>T on the coding strand, the complement: CEBPA is on the minus strand). VCF-style: chr19-33301672-C-A. GRCh37 (hg19) VCF-style: chr19-33792578-C-A.
Other names: c.386G>T, p.Gly129Val (NM_001285829.2); c.848G>T, p.Gly283Val (NM_001287424.2); c.701G>T, p.Gly234Val (NM_001287435.2); short protein forms G129V, G234V, G248V, G283V.
Identifiers: ClinVar variation 1719947 (VCV001719947.6), dbSNP rs1967171226, ClinGen allele CA405274304.
Genomic context (GRCh38, chr19:33,301,672, plus strand): 5'-CCGCCACTCGCGCGGAGGTCGGGGTGCGCGGCGCCCAGCCCCTTGAGCGCGCTGCCAGGG[C>A]CCGGCAGGCCGGCGGCACCGAGCGCGGGCGCGGGGTGCGGGCTGGGCACGGGCGTGGGCG-3'
Protein context (NP_004355.2, residues 238-258): APALGAAGLP[Gly248Val]PGSALKGLGA